The following is an entry in ClinVar:

NM_006947.4(SRP72):c.668C>T (p.Ala223Val)

Gene: SRP72 (signal recognition particle 72; plus strand). Cytogenetic location: 4q12.
Variant type: single nucleotide variant.
Coding change: c.668C>T on transcript NM_006947.4 (MANE Select); coding-DNA position 668, C replaced by T.
Protein change: p.Ala223Val; replaces alanine 223 with valine.
Molecular consequence: missense variant. On other transcripts: non-coding transcript variant (1), intron variant (1).
Genome position (GRCh38, 1-based): chr4:56,478,404, C>T. VCF-style: chr4-56478404-C-T. GRCh37 (hg19) VCF-style: chr4-57344570-C-T.
Other names: c.642+1702C>T (NM_001267722.2); short protein forms A223V.
Identifiers: ClinVar variation 4865119 (VCV004865119.1).

ClinVar aggregate classification (germline): Uncertain significance (1 of 4 stars; one submission).

Submission:

Ambry Genetics
Classification: Uncertain significance. Last evaluated: 2026-03-29. Review status: criteria provided, single submitter. Criteria: Ambry Variant Classification Scheme 2023. Collection method: clinical testing. Allele origin: germline.
Comment: The p.A223V variant (also known as c.668C>T), located in coding exon 7 of the SRP72 gene, results from a C to T substitution at nucleotide position 668. The alanine at codon 223 is replaced by valine, an amino acid with similar properties. This amino acid position is conserved. In addition, the in silico prediction for this alteration is inconclusive. Based on the available evidence, the clinical significance of this variant remains unclear.